The following is an entry in ClinVar:

NM_058216.3(RAD51C):c.480A>C (p.Thr160=)

Gene: RAD51C (RAD51 paralog C; plus strand). Cytogenetic location: 17q22.
Variant type: single nucleotide variant.
Coding change: c.480A>C on transcript NM_058216.3 (MANE Select); coding-DNA position 480, A replaced by C.
Protein change: p.Thr160=; no amino-acid change (threonine 160 retained).
Molecular consequence: synonymous variant.
Genome position (GRCh38, 1-based): chr17:58,696,768, A>C. VCF-style: chr17-58696768-A-C. GRCh37 (hg19) VCF-style: chr17-56774129-A-C.
Identifiers: ClinVar variation 825190 (VCV000825190.14), dbSNP rs1060504670, ClinGen allele CA501074950.
Genomic context (GRCh38, chr17:58,696,768, plus strand): 5'-AGATGTGCAGATACCAGAATGTTTTGGAGGAGTGGCAGGTGAAGCAGTTTTTATTGATAC[A>C]GAGGGAAGTTTTATGGTTGATAGAGTGGTAGACCTTGCTACTGCCTGCATTCAGCACCTT-3'
Protein context (NP_478123.1, residues 150-170): GVAGEAVFID[Thr160=]EGSFMVDRVV

ClinVar aggregate classification (germline): Benign/Likely benign. Review status: criteria provided, multiple submitters, no conflicts (2 of 4 stars). 3 submissions from 3 submitters: Benign (1); Likely benign (2). Last evaluated 2025-07-24.

Conditions:
Hereditary cancer-predisposing syndrome. Also called: Neoplastic Syndromes, Hereditary; Hereditary Cancer Syndrome; Hereditary neoplastic syndrome; Tumor predisposition. Identifiers: Orphanet 140162, MedGen C0027672, MeSH D009386, MONDO:0015356.
Breast-ovarian cancer, familial, susceptibility to, 3. Also called: RAD51C-Related Breast/Ovarian Cancer. Identifiers: Orphanet 145, MedGen C3150659, MONDO:0013253, OMIM 613399.
Fanconi anemia complementation group O. Also called: RAD51C-Related Fanconi Anemia. Identifiers: Orphanet 84, MedGen C3150653, MONDO:0013248, OMIM 613390.

Allele frequency attached by ClinVar (database versions not stated): TOPMed 0.00001.

Submissions (3):

Labcorp Genetics (formerly Invitae), Labcorp
Classification: Likely benign for Fanconi anemia complementation group O. Last evaluated: 2025-07-24. Review status: criteria provided, single submitter. Criteria: Invitae Variant Classification Sherloc (09022015). Collection method: clinical testing. Allele origin: germline.

Myriad Genetics, Inc.
Classification: Benign for Breast-ovarian cancer, familial, susceptibility to, 3. Last evaluated: 2025-02-18. Review status: criteria provided, single submitter. Criteria: Myriad Autosomal Dominant, Autosomal Recessive and X-Linked Classification Criteria (2023). Collection method: clinical testing. Allele origin: unknown.
Comment: This variant is considered benign. This variant is a silent/synonymous amino acid change and it is not expected to impact splicing.

Ambry Genetics
Classification: Likely benign for Hereditary cancer-predisposing syndrome. Last evaluated: 2019-09-13. Review status: criteria provided, single submitter. Criteria: Ambry Variant Classification Scheme 2023. Collection method: clinical testing. Allele origin: germline.